The following is an entry in ClinVar:

NM_006073.4(TRDN):c.2185C>T (p.Gln729Ter)

Gene: TRDN (triadin; minus strand). Cytogenetic location: 6q22.31.
Variant type: single nucleotide variant.
Coding change: c.2185C>T on transcript NM_006073.4 (MANE Select); coding-DNA position 2185, C replaced by T.
Protein change: p.Gln729Ter; replaces glutamine 729 with a stop codon.
Molecular consequence: nonsense.
Genome position (GRCh38, 1-based): chr6:123,218,606, G>A on the plus strand (C>T on the coding strand, the complement: TRDN is on the minus strand). VCF-style: chr6-123218606-G-A. GRCh37 (hg19) VCF-style: chr6-123539751-G-A.
Other names: c.2185C>T (NM_006073.2); short protein forms Q729*.
Identifiers: ClinVar variation 1062966 (VCV001062966.6), dbSNP rs769741426, ClinGen allele CA3983578.

ClinVar aggregate classification (germline): Uncertain significance. Review status: criteria provided, multiple submitters, no conflicts (2 of 4 stars). 2 submissions from 2 submitters: Uncertain significance (2). Last evaluated 2024-04-18.

Conditions:
Catecholaminergic polymorphic ventricular tachycardia 1. Also called: VENTRICULAR TACHYCARDIA, CATECHOLAMINERGIC POLYMORPHIC, 1, WITH OR WITHOUT ATRIAL DYSFUNCTION AND/OR DILATED CARDIOMYOPATHY; RYR2-Related Catecholaminergic Polymorphic Ventricular Tachycardia; VENTRICULAR TACHYCARDIA, STRESS-INDUCED POLYMORPHIC 1. Identifiers: Orphanet 3286, MedGen C1631597, MONDO:0011484, OMIM 604772.
Cardiovascular phenotype. Identifiers: MedGen CN230736.

Allele frequency attached by ClinVar (database versions not stated): TOPMed below 0.00001; gnomAD exomes 0.00001 and 0.00002; ExAC 0.00003.
gnomAD v4.1: 11 of 1,611,332 alleles (0.00068%); highest among the groups gnomAD compares: East Asian, 0.022%; no homozygotes.

Submissions (2):

Ambry Genetics
Classification: Uncertain significance for Cardiovascular phenotype. Last evaluated: 2024-04-18. Review status: criteria provided, single submitter. Criteria: Ambry Variant Classification Scheme 2023. Collection method: clinical testing. Allele origin: germline.
Comment: The p.Q729* variant (also known as c.2185C>T), located in coding exon 41 of the TRDN gene, results from a C to T substitution at nucleotide position 2185. This changes the amino acid from a glutamine to a stop codon within coding exon 41. This alteration is expected to result in loss of function by premature protein truncation or nonsense-mediated mRNA decay. However, this alteration does not impact the predominant cardiac isoform ofTRDN(NM_001256021.1; Kobayashi YM et al. J. Biol. Chem., 1999 Oct;274:28660-8). Since supporting evidence is limited at this time, the clinical significance of this alteration remains unclear.

Labcorp Genetics (formerly Invitae), Labcorp
Classification: Uncertain significance for Catecholaminergic polymorphic ventricular tachycardia 1. Last evaluated: 2020-08-18. Review status: criteria provided, single submitter. Criteria: Invitae Variant Classification Sherloc (09022015). Collection method: clinical testing. Allele origin: germline.
Comment: This sequence change results in a premature translational stop signal in the TRDN gene (p.Gln729*). While this is not anticipated to result in nonsense mediated decay, it is expected to disrupt the last one amino acid of the TRDN protein. This variant is present in population databases (rs769741426, ExAC 0.04%). This variant has not been reported in the literature in individuals with TRDN-related conditions. Experimental studies and prediction algorithms are not available or were not evaluated, and the functional significance of this variant is currently unknown. In summary, the available evidence is currently insufficient to determine the role of this variant in disease. Therefore, it has been classified as a Variant of Uncertain Significance.